The following is an entry in ClinVar:

NM_032040.5(CCDC8):c.873C>G (p.Ile291Met)

Gene: CCDC8 (coiled-coil domain containing 8 subunit of 3M complex; minus strand). Cytogenetic location: 19q13.32.
Variant type: single nucleotide variant.
Coding change: c.873C>G on transcript NM_032040.5 (MANE Select); coding-DNA position 873, C replaced by G.
Protein change: p.Ile291Met; replaces isoleucine 291 with methionine.
Molecular consequence: missense variant.
Genome position (GRCh38, 1-based): chr19:46,411,938, G>C on the plus strand (C>G on the coding strand, the complement: CCDC8 is on the minus strand). VCF-style: chr19-46411938-G-C. GRCh37 (hg19) VCF-style: chr19-46915195-G-C.
Other names: short protein forms I291M.
Identifiers: ClinVar variation 2041034 (VCV002041034.4), dbSNP rs912229744, ClinGen allele CA406460719.
Genomic context (GRCh38, chr19:46,411,938, plus strand): 5'-CTGGTCAGCTATGGCCTCTTCCCTTTGACTATCTGCAGCCTCTCCCCCCTGATCAGCCTC[G>C]ATGTCTGCCCCCTGACCTGTGGGTGCTGTCTGCTCCTTCCTGCGGCGCCGAAAGGAGGCC-3'
Protein context (NP_114429.2, residues 281-301): QTAPTGQGAD[Ile291Met]EADQGGEAAD

ClinVar aggregate classification (germline): Uncertain significance (1 of 4 stars; one submission).

Submission:

Labcorp Genetics (formerly Invitae), Labcorp
Classification: Uncertain significance. Last evaluated: 2022-11-22. Review status: criteria provided, single submitter. Criteria: Invitae Variant Classification Sherloc (09022015). Collection method: clinical testing. Allele origin: germline.
Comment: In summary, the available evidence is currently insufficient to determine the role of this variant in disease. Therefore, it has been classified as a Variant of Uncertain Significance. Algorithms developed to predict the effect of missense changes on protein structure and function output the following: SIFT: "Tolerated"; PolyPhen-2: "Benign"; Align-GVGD: "Class C0". The methionine amino acid residue is found in multiple mammalian species, which suggests that this missense change does not adversely affect protein function. This variant has not been reported in the literature in individuals affected with CCDC8-related conditions. This variant is not present in population databases (gnomAD no frequency). This sequence change replaces isoleucine, which is neutral and non-polar, with methionine, which is neutral and non-polar, at codon 291 of the CCDC8 protein (p.Ile291Met).